The following is an entry in ClinVar:

NM_006579.3(EBP):c.641C>T (p.Ala214Val)

Gene: EBP (EBP cholestenol delta-isomerase; plus strand). Cytogenetic location: Xp11.23.
Variant type: single nucleotide variant.
Coding change: c.641C>T on transcript NM_006579.3 (MANE Select); coding-DNA position 641, C replaced by T.
Protein change: p.Ala214Val; replaces alanine 214 with valine.
Molecular consequence: missense variant.
Genome position (GRCh38, 1-based): chrX:48,528,405, C>T. VCF-style: chrX-48528405-C-T. GRCh37 (hg19) VCF-style: chrX-48386793-C-T.
Other names: short protein forms A214V.
Identifiers: ClinVar variation 2581951 (VCV002581951.1), dbSNP rs2061785526, ClinGen allele CA412853433.

ClinVar aggregate classification (germline): Uncertain significance (1 of 4 stars; one submission).

Allele frequency attached by ClinVar (database versions not stated): gnomAD 0.00001.
gnomAD v4.1: 1 of 1,177,158 alleles (0.000085%); no homozygotes.

Submission:

GeneDx
Classification: Uncertain significance. Last evaluated: 2023-03-26. Review status: criteria provided, single submitter. Criteria: GeneDx Variant Classification Process June 2021. Collection method: clinical testing. Allele origin: germline. Affected: yes.
Comment: Not observed at significant frequency in large population cohorts (gnomAD); In silico analysis supports that this missense variant has a deleterious effect on protein structure/function; Has not been previously published as pathogenic or benign to our knowledge